The following is an entry in ClinVar:

NM_022114.4(PRDM16):c.2263C>A (p.Pro755Thr)

Gene: PRDM16 (PR/SET domain 16; plus strand). Cytogenetic location: 1p36.32.
Variant type: single nucleotide variant.
Coding change: c.2263C>A on transcript NM_022114.4 (MANE Select); coding-DNA position 2263, C replaced by A.
Protein change: p.Pro755Thr; replaces proline 755 with threonine.
Molecular consequence: missense variant.
Genome position (GRCh38, 1-based): chr1:3,412,460, C>A. VCF-style: chr1-3412460-C-A. GRCh37 (hg19) VCF-style: chr1-3329024-C-A.
Other names: c.2263C>A, p.Pro755Thr (NM_199454.3); short protein forms P755T.
Identifiers: ClinVar variation 2089423 (VCV002089423.4), dbSNP rs1396633685, ClinGen allele CA338000017.
Genomic context (GRCh38, chr1:3,412,460, plus strand): 5'-CACTCCCTTTACCCCTTCACGGACCGAGCCCTCGCCCACAACTTGCTGGTCAAGGCCGAG[C>A]CAAAGTCACCCCGGGACGCCCTCAAGGTGGGCGGCCCCAGTGCCGAGTGCCCCTTTGATC-3'
Protein context (NP_071397.3, residues 745-765): LAHNLLVKAE[Pro755Thr]KSPRDALKVG

ClinVar aggregate classification (germline): Uncertain significance (1 of 4 stars; one submission).

Conditions:
Left ventricular noncompaction 8 (LVNC8). Identifiers: Orphanet 154, Orphanet 54260, MedGen C3809288, MONDO:0014152, OMIM 615373.

gnomAD v4.1: 2 of 1,613,270 alleles (0.00012%); highest among the groups gnomAD compares: Non-Finnish European, 0.000085%; no homozygotes.

Submission:

Labcorp Genetics (formerly Invitae), Labcorp
Classification: Uncertain significance for Left ventricular noncompaction 8. Last evaluated: 2022-01-26. Review status: criteria provided, single submitter. Criteria: Invitae Variant Classification Sherloc (09022015). Collection method: clinical testing. Allele origin: germline.
Comment: This sequence change replaces proline, which is neutral and non-polar, with threonine, which is neutral and polar, at codon 755 of the PRDM16 protein (p.Pro755Thr). This variant is present in population databases (no rsID available, gnomAD 0.0009%). In summary, the available evidence is currently insufficient to determine the role of this variant in disease. Therefore, it has been classified as a Variant of Uncertain Significance. Algorithms developed to predict the effect of missense changes on protein structure and function (SIFT, PolyPhen-2, Align-GVGD) all suggest that this variant is likely to be disruptive. This variant has not been reported in the literature in individuals affected with PRDM16-related conditions.